The following is an entry in ClinVar:

ClinVar aggregate classification (germline): Conflicting classifications of pathogenicity. Review status: criteria provided, conflicting classifications (1 of 4 stars). 2 submissions from 2 submitters: Uncertain significance (1); Likely benign (1). Last evaluated 2024-01-17.

Allele frequency attached by ClinVar (database versions not stated): gnomAD exomes below 0.00001; ExAC 0.00001.
gnomAD v4.1: 2 of 1,613,466 alleles (0.00012%); highest among the groups gnomAD compares: African/African-American, 0.0013%; no homozygotes.

Submissions (2):

Labcorp Genetics (formerly Invitae), Labcorp
Classification: Likely benign. Last evaluated: 2024-01-17. Review status: criteria provided, single submitter. Criteria: Invitae Variant Classification Sherloc (09022015). Collection method: clinical testing. Allele origin: germline.

GeneDx
Classification: Uncertain significance. Last evaluated: 2023-03-02. Review status: criteria provided, single submitter. Criteria: GeneDx Variant Classification Process June 2021. Collection method: clinical testing. Allele origin: germline. Affected: yes.
Comment: Not observed at significant frequency in large population cohorts (gnomAD); In silico analysis supports that this missense variant has a deleterious effect on protein structure/function; Has not been previously published as pathogenic or benign to our knowledge

NM_032119.4(ADGRV1):c.2264T>C (p.Leu755Pro)

Gene: ADGRV1 (adhesion G protein-coupled receptor V1; plus strand). Cytogenetic location: 5q14.3.
Variant type: single nucleotide variant.
Coding change: c.2264T>C on transcript NM_032119.4 (MANE Select); coding-DNA position 2264, T replaced by C.
Protein change: p.Leu755Pro; replaces leucine 755 with proline.
Molecular consequence: missense variant. On other transcripts: non-coding transcript variant (1).
Genome position (GRCh38, 1-based): chr5:90,642,659, T>C. VCF-style: chr5-90642659-T-C. GRCh37 (hg19) VCF-style: chr5-89938476-T-C.
Other names: c.2264T>C (NM_032119.3); short protein forms L755P.
Identifiers: ClinVar variation 1949173 (VCV001949173.6), dbSNP rs758784613, ClinGen allele CA3338878.